The following is an entry in ClinVar:

NM_003482.4(KMT2D):c.16255A>T (p.Lys5419Ter)

Gene: KMT2D (lysine methyltransferase 2D; minus strand). Cytogenetic location: 12q13.12.
Variant type: single nucleotide variant.
Coding change: c.16255A>T on transcript NM_003482.4 (MANE Select); coding-DNA position 16255, A replaced by T.
Protein change: p.Lys5419Ter; replaces lysine 5419 with a stop codon.
Molecular consequence: nonsense.
Genome position (GRCh38, 1-based): chr12:49,022,673, T>A on the plus strand (A>T on the coding strand, the complement: KMT2D is on the minus strand). VCF-style: chr12-49022673-T-A. GRCh37 (hg19) VCF-style: chr12-49416456-T-A.
Other names: short protein forms K5419*.
Identifiers: ClinVar variation 4293819 (VCV004293819.1).
Genomic context (GRCh38, chr12:49,022,673, plus strand): 5'-GCCGGTTGGCCACCTCGTTCCGAATGATGGTGCCAATGTACTCGATAACCATTGTGTGCT[T>A]TTCTAGGTCCTTGGCTGCATAGAGCCCCAGGCCCTGGATACGGGAGCGAGCCAGGTACAC-3'

ClinVar aggregate classification (germline): Likely pathogenic (1 of 4 stars; one submission).

Conditions:
Kabuki syndrome 1 (KABUK1). Also called: KMT2D-Related Kabuki Syndrome. Identifiers: Orphanet 2322, MedGen CN030661, MONDO:0007843, OMIM 147920.

Submission:

3billion
Classification: Likely pathogenic for Kabuki syndrome 1. Last evaluated: 2025-02-04. Review status: criteria provided, single submitter. Criteria: ACMG Guidelines, 2015. Collection method: clinical testing. Allele origin: germline. Affected: yes.
Comment: The variant is not observed in the gnomAD v4.1.0 dataset. Predicted Consequence/Location: Stop-gained (nonsense): predicted to result in a loss or disruption of normal protein function through nonsense-mediated decay (NMD) or protein truncation. Multiple pathogenic variants are reported downstream of the variant. Therefore, this variant is classified as Likely pathogenic according to the recommendation of ACMG/AMP guideline.